The following is an entry in ClinVar:

NM_001211.6(BUB1B):c.694A>G (p.Ser232Gly)

Gene: BUB1B (BUB1 mitotic checkpoint serine/threonine kinase B; plus strand). Cytogenetic location: 15q15.1.
Variant type: single nucleotide variant.
Coding change: c.694A>G on transcript NM_001211.6 (MANE Select); coding-DNA position 694, A replaced by G.
Protein change: p.Ser232Gly; replaces serine 232 with glycine.
Molecular consequence: missense variant.
Genome position (GRCh38, 1-based): chr15:40,183,826, A>G. VCF-style: chr15-40183826-A-G. GRCh37 (hg19) VCF-style: chr15-40476027-A-G.
Other names: short protein forms S232G.
Identifiers: ClinVar variation 4599837 (VCV004599837.1).

ClinVar aggregate classification (germline): Uncertain significance (1 of 4 stars; one submission).

Conditions:
Inborn genetic diseases. Identifiers: MedGen C0950123, MeSH D030342.

gnomAD v4.1: 1 of 1,614,162 alleles (0.000062%); highest among the groups gnomAD compares: Non-Finnish European, 0.000085%; no homozygotes.

Submission:

Ambry Genetics
Classification: Uncertain significance for Inborn genetic diseases. Last evaluated: 2025-09-20. Review status: criteria provided, single submitter. Criteria: Ambry Variant Classification Scheme 2023. Collection method: clinical testing. Allele origin: germline.
Comment: The p.S232G variant (also known as c.694A>G), located in coding exon 6 of the BUB1B gene, results from an A to G substitution at nucleotide position 694. The serine at codon 232 is replaced by glycine, an amino acid with similar properties. This amino acid position is conserved. In addition, this alteration is predicted to be tolerated by in silico analysis. Based on the available evidence, the clinical significance of this variant remains unclear.